The following is an entry in ClinVar:

ClinVar aggregate classification (germline): Likely pathogenic (1 of 4 stars; one submission).

Conditions:
Polycystic kidney disease 4 (PKD4). Also called: POLYCYSTIC KIDNEY DISEASE 4 WITH OR WITHOUT POLYCYSTIC LIVER DISEASE; PKD3; POLYCYSTIC KIDNEY AND HEPATIC DISEASE 1; POLYCYSTIC KIDNEY DISEASE, INFANTILE, TYPE I; Autosomal Recessive Polycystic Kidney Disease – PKHD1. Identifiers: MedGen C4540575, MONDO:0033004, OMIM 263200.

Submission:

MVZ Medizinische Genetik Mainz
Classification: Likely pathogenic for Polycystic kidney disease 4. Last evaluated: 2023-12-08. Review status: criteria provided, single submitter. Criteria: UK Practice Guidelines For Variant Classification V4 01 2020. Collection method: clinical testing. Allele origin: germline. Inheritance: Autosomal recessive inheritance. Affected: yes. Observed: 1 variant allele.
Comment: ACMG Criteria: PVS1,PM2_SUP

NM_138694.4(PKHD1):c.6323C>A (p.Ser2108Ter)

Gene: PKHD1 (PKHD1 ciliary IPT domain containing fibrocystin/polyductin; minus strand). Cytogenetic location: 6p12.2.
Variant type: single nucleotide variant.
Coding change: c.6323C>A on transcript NM_138694.4 (MANE Select); coding-DNA position 6323, C replaced by A.
Protein change: p.Ser2108Ter; replaces serine 2108 with a stop codon.
Molecular consequence: nonsense.
Genome position (GRCh38, 1-based): chr6:51,912,375, G>T on the plus strand (C>A on the coding strand, the complement: PKHD1 is on the minus strand). VCF-style: chr6-51912375-G-T. GRCh37 (hg19) VCF-style: chr6-51777173-G-T.
Other names: c.6323C>A, p.Ser2108Ter (NM_170724.3); short protein forms S2108*.
Identifiers: ClinVar variation 3235223 (VCV003235223.1), dbSNP rs1783092153.